The following is an entry in ClinVar:

NM_001134407.3(GRIN2A):c.2007+10C>T

Gene: GRIN2A (glutamate ionotropic receptor NMDA type subunit 2A; minus strand). Cytogenetic location: 16p13.2.
Variant type: single nucleotide variant.
Coding change: c.2007+10C>T on transcript NM_001134407.3 (MANE Select); 10 bases into the intron after coding-DNA position 2007, C replaced by T.
Molecular consequence: intron variant.
Genome position (GRCh38, 1-based): chr16:9,829,413, G>A on the plus strand (C>T on the coding strand, the complement: GRIN2A is on the minus strand). VCF-style: chr16-9829413-G-A. GRCh37 (hg19) VCF-style: chr16-9923270-G-A.
Other names: c.2007+10C>T (NM_001134408.2, NM_000833.5).
Identifiers: ClinVar variation 321612 (VCV000321612.17), dbSNP rs368110989, ClinGen allele CA7896617.

ClinVar aggregate classification (germline): Benign/Likely benign. Review status: criteria provided, multiple submitters, no conflicts (2 of 4 stars). 5 submissions from 5 submitters: Benign (1); Likely benign (4). Last evaluated 2026-01-31.

Conditions:
GRIN2A-related complex neurodevelopmental disorder. Also called: GRIN2A-related disorder; GRIN2A-related condition. Identifiers: MedGen CN379781, MONDO:1060139.
Landau-Kleffner syndrome (FESD). Also called: EPILEPSY, FOCAL, WITH SPEECH DISORDER AND WITH OR WITHOUT MENTAL RETARDATION; APHASIA, ACQUIRED, WITH EPILEPSY. Identifiers: Orphanet 1945, Orphanet 725, Orphanet 98818, MedGen C0282512, MONDO:0009509, OMIM 245570.

Allele frequency attached by ClinVar (database versions not stated): ExAC 0.00014; gnomAD exomes 0.00013; ESP Exome Variant Server 0.00008; gnomAD 0.00019; TOPMed 0.00007.
gnomAD v4.1: 184 of 1,587,278 alleles (0.012%); highest among the groups gnomAD compares: Non-Finnish European, 0.013%; 1 homozygote.

Submissions (5):

Labcorp Genetics (formerly Invitae), Labcorp
Classification: Likely benign for Landau-Kleffner syndrome. Last evaluated: 2026-01-31. Review status: criteria provided, single submitter. Criteria: Invitae Variant Classification Sherloc (09022015). Collection method: clinical testing. Allele origin: germline.

PreventionGenetics, part of Exact Sciences
Classification: Likely benign for GRIN2A-related condition. Last evaluated: 2025-03-18. Review status: criteria provided, single submitter. Criteria: ACMG Guidelines, 2015. Collection method: clinical testing. Allele origin: germline.
Comment: This variant is classified as likely benign based on ACMG/AMP sequence variant interpretation guidelines (Richards et al. 2015 PMID: 25741868, with internal and published modifications).

Blueprint Genetics
Classification: Likely benign. Last evaluated: 2024-10-08. Review status: criteria provided, single submitter. Criteria: ACMG Guidelines, 2015. Collection method: clinical testing. Allele origin: germline.

Illumina Laboratory Services, Illumina
Classification: Benign for Landau-Kleffner syndrome. Last evaluated: 2018-01-13. Review status: criteria provided, single submitter. Criteria: ICSL Variant Classification Criteria 13 December 2019. Collection method: clinical testing. Allele origin: germline.
Comment: This variant was observed in the ICSL laboratory as part of a predisposition screen in an ostensibly healthy population. It had not been previously curated by ICSL or reported in the Human Gene Mutation Database (HGMD: prior to June 1st, 2018), and was therefore a candidate for classification through an automated scoring system. Utilizing variant allele frequency, disease prevalence and penetrance estimates, and inheritance mode, an automated score was calculated to assess if this variant is too frequent to cause the disease. Based on the score and internal cut-off values, a variant classified as benign is not then subjected to further curation. The score for this variant resulted in a classification of benign for this disease.

GeneDx
Classification: Likely benign. Last evaluated: 2017-11-16. Review status: criteria provided, single submitter. Criteria: GeneDx Variant Classification (06012015). Collection method: clinical testing. Allele origin: germline. Affected: yes.
Comment: This variant is considered likely benign or benign based on one or more of the following criteria: it is a conservative change, it occurs at a poorly conserved position in the protein, it is predicted to be benign by multiple in silico algorithms, and/or has population frequency not consistent with disease.